The following is an entry in ClinVar:

NM_000426.4(LAMA2):c.6011A>G (p.Asn2004Ser)

Gene: LAMA2 (laminin subunit alpha 2; plus strand). Cytogenetic location: 6q22.33.
Variant type: single nucleotide variant.
Coding change: c.6011A>G on transcript NM_000426.4 (MANE Select); coding-DNA position 6011, A replaced by G.
Protein change: p.Asn2004Ser; replaces asparagine 2004 with serine.
Molecular consequence: missense variant.
Genome position (GRCh38, 1-based): chr6:129,438,688, A>G. VCF-style: chr6-129438688-A-G. GRCh37 (hg19) VCF-style: chr6-129759833-A-G.
Other names: c.6011A>G, p.Asn2004Ser (NM_001079823.2); short protein forms N2004S.
Identifiers: ClinVar variation 1389566 (VCV001389566.6), dbSNP rs2114761085, ClinGen allele CA365627660.

ClinVar aggregate classification (germline): Uncertain significance (1 of 4 stars; one submission).

Conditions:
LAMA2-related muscular dystrophy (LAMA2-RD). Also called: Laminin alpha 2-related dystrophy. Identifiers: MedGen C5679788, MONDO:0100228.

Submission:

Labcorp Genetics (formerly Invitae), Labcorp
Classification: Uncertain significance for LAMA2-related muscular dystrophy. Last evaluated: 2022-11-28. Review status: criteria provided, single submitter. Criteria: Invitae Variant Classification Sherloc (09022015). Collection method: clinical testing. Allele origin: germline.
Comment: This variant has not been reported in the literature in individuals affected with LAMA2-related conditions. In summary, the available evidence is currently insufficient to determine the role of this variant in disease. Therefore, it has been classified as a Variant of Uncertain Significance. Advanced modeling of protein sequence and biophysical properties (such as structural, functional, and spatial information, amino acid conservation, physicochemical variation, residue mobility, and thermodynamic stability) performed at Invitae indicates that this missense variant is not expected to disrupt LAMA2 protein function. ClinVar contains an entry for this variant (Variation ID: 1389566). This variant is not present in population databases (gnomAD no frequency). This sequence change replaces asparagine, which is neutral and polar, with serine, which is neutral and polar, at codon 2004 of the LAMA2 protein (p.Asn2004Ser).